The following is an entry in ClinVar:

NM_020921.4(NIN):c.1733AAG[1] (p.Glu579del)

Gene: NIN (ninein; minus strand). Cytogenetic location: 14q22.1.
Variant type: Microsatellite.
Coding change: c.1733AAG[1] on transcript NM_020921.4 (MANE Select); one copy of the 3-base unit AAG starting at c.1733; the reference has two copies in a row; one copy, 3 bases deleted.
Protein change: p.Glu579del; deletes glutamic acid 579.
Molecular consequence: inframe deletion.
Genome position (GRCh38, 1-based): chr14:50,763,862-50,763,864, CTT deleted on the plus strand (AAG on the coding strand, the reverse complement: NIN is on the minus strand); deleting any 3 consecutive bases within chr14:50,763,862-50,763,869 gives the same sequence; the position shown is the placement nearest the transcript's 3' end. VCF-style (leftmost placement, unchanged base first): chr14-50763861-ACTT-A. GRCh37 (hg19) VCF-style: chr14-51230579-ACTT-A.
Other names: c.1733AAG[1], p.Glu579del (NM_016350.5, NM_182944.3, NM_182946.2); short protein forms E579del.
Identifiers: ClinVar variation 2079380 (VCV002079380.4), dbSNP rs758724431, ClinGen allele CA7182104.

ClinVar aggregate classification (germline): Uncertain significance (1 of 4 stars; one submission).

Submission:

Labcorp Genetics (formerly Invitae), Labcorp
Classification: Uncertain significance. Last evaluated: 2025-12-10. Review status: criteria provided, single submitter. Criteria: Invitae Variant Classification Sherloc (09022015). Collection method: clinical testing. Allele origin: germline.
Comment: This variant, c.1736_1738del, results in the deletion of 1 amino acid(s) of the NIN protein (p.Glu579del), but otherwise preserves the integrity of the reading frame. This variant is present in population databases (rs758724431, gnomAD 0.07%), and has an allele count higher than expected for a pathogenic variant. This variant has not been reported in the literature in individuals affected with NIN-related conditions. Experimental studies and prediction algorithms are not available or were not evaluated, and the functional significance of this variant is currently unknown. In summary, the available evidence is currently insufficient to determine the role of this variant in disease. Therefore, it has been classified as a Variant of Uncertain Significance.